The following is an entry in ClinVar:

NM_004360.5(CDH1):c.1861C>G (p.Pro621Ala)

Gene: CDH1 (cadherin 1; plus strand). Cytogenetic location: 16q22.1.
Variant type: single nucleotide variant.
Coding change: c.1861C>G on transcript NM_004360.5 (MANE Select); coding-DNA position 1861, C replaced by G.
Protein change: p.Pro621Ala; replaces proline 621 with alanine.
Molecular consequence: missense variant. On other transcripts: 5 prime UTR variant (1).
Genome position (GRCh38, 1-based): chr16:68,822,150, C>G. VCF-style: chr16-68822150-C-G. GRCh37 (hg19) VCF-style: chr16-68856053-C-G.
Other names: c.1678C>G, p.Pro560Ala (NM_001317184.2); c.313C>G, p.Pro105Ala (NM_001317185.2); c.-105C>G (NM_001317186.2); short protein forms P621A, P105A, P560A.
Identifiers: ClinVar variation 1781510 (VCV001781510.7), dbSNP rs1961165024, ClinGen allele CA396467046.

ClinVar aggregate classification (germline): Uncertain significance. Review status: criteria provided, multiple submitters, no conflicts (2 of 4 stars). 2 submissions from 2 submitters: Uncertain significance (2). Last evaluated 2021-12-20.

Conditions:
Hereditary cancer-predisposing syndrome. Also called: Tumor predisposition; Neoplastic Syndromes, Hereditary; Hereditary Cancer Syndrome; Hereditary neoplastic syndrome. Identifiers: Orphanet 140162, MedGen C0027672, MeSH D009386, MONDO:0015356.
Hereditary diffuse gastric adenocarcinoma (HDGC). Also called: DIFFUSE GASTRIC AND LOBULAR BREAST CANCER SYNDROME. Identifiers: Orphanet 26106, MedGen C1708349, MONDO:0007648, OMIM 137215.

Submissions (2):

Labcorp Genetics (formerly Invitae), Labcorp
Classification: Uncertain significance for Hereditary diffuse gastric adenocarcinoma. Last evaluated: 2021-12-20. Review status: criteria provided, single submitter. Criteria: Invitae Variant Classification Sherloc (09022015). Collection method: clinical testing. Allele origin: germline.
Comment: In summary, the available evidence is currently insufficient to determine the role of this variant in disease. Therefore, it has been classified as a Variant of Uncertain Significance. Algorithms developed to predict the effect of missense changes on protein structure and function are either unavailable or do not agree on the potential impact of this missense change (SIFT: "Tolerated"; PolyPhen-2: "Possibly Damaging"; Align-GVGD: "Class C0"). This variant has not been reported in the literature in individuals affected with CDH1-related conditions. This variant is not present in population databases (gnomAD no frequency). This sequence change replaces proline, which is neutral and non-polar, with alanine, which is neutral and non-polar, at codon 621 of the CDH1 protein (p.Pro621Ala).

Ambry Genetics
Classification: Uncertain significance for Hereditary cancer-predisposing syndrome. Last evaluated: 2021-07-01. Review status: criteria provided, single submitter. Criteria: Ambry Variant Classification Scheme 2023. Collection method: clinical testing. Allele origin: germline.
Comment: The p.P621A variant (also known as c.1861C>G), located in coding exon 12 of the CDH1 gene, results from a C to G substitution at nucleotide position 1861. The proline at codon 621 is replaced by alanine, an amino acid with highly similar properties. This amino acid position is well conserved in available vertebrate species. In addition, this alteration is predicted to be tolerated by in silico analysis. Since supporting evidence is limited at this time, the clinical significance of this alteration remains unclear.